The following is an entry in ClinVar:

ClinVar aggregate classification (germline): Conflicting classifications of pathogenicity. Review status: criteria provided, conflicting classifications (1 of 4 stars). 2 submissions from 2 submitters: Uncertain significance (1); Likely benign (1). Last evaluated 2025-08-21.

Allele frequency attached by ClinVar (database versions not stated): gnomAD exomes below 0.00001.

Submissions (2):

Ambry Genetics
Classification: Uncertain significance. Last evaluated: 2025-08-21. Review status: criteria provided, single submitter. Criteria: Ambry Variant Classification Scheme 2023. Collection method: clinical testing. Allele origin: germline.

CeGaT Center for Human Genetics Tuebingen
Classification: Likely benign. Last evaluated: 2022-09-01. Review status: criteria provided, single submitter. Criteria: CeGaT Center For Human Genetics Tuebingen Variant Classification Criteria Version 2. Collection method: clinical testing. Allele origin: germline. Affected: yes. Observed: 1 variant allele.
Comment: ANGPTL4: PM2, BP4, BS2

NM_139314.3(ANGPTL4):c.1202C>G (p.Ala401Gly)

Gene: ANGPTL4 (angiopoietin like 4; plus strand). Cytogenetic location: 19p13.2.
Variant type: single nucleotide variant.
Coding change: c.1202C>G on transcript NM_139314.3 (MANE Select); coding-DNA position 1202, C replaced by G.
Protein change: p.Ala401Gly; replaces alanine 401 with glycine.
Molecular consequence: missense variant.
Genome position (GRCh38, 1-based): chr19:8,373,867, C>G. VCF-style: chr19-8373867-C-G. GRCh37 (hg19) VCF-style: chr19-8438751-C-G.
Other names: c.1088C>G, p.Ala363Gly (NM_001039667.3); c.1202C>G (NM_139314.1); short protein forms A363G, A401G.
Identifiers: ClinVar variation 2649198 (VCV002649198.25), dbSNP rs752950532, ClinGen allele CA403724852.